The following is an entry in ClinVar:

ClinVar aggregate classification (germline): Uncertain significance (1 of 4 stars; one submission).

Submission:

Labcorp Genetics (formerly Invitae), Labcorp
Classification: Uncertain significance. Last evaluated: 2023-05-15. Review status: criteria provided, single submitter. Criteria: Invitae Variant Classification Sherloc (09022015). Collection method: clinical testing. Allele origin: germline.
Comment: In summary, the available evidence is currently insufficient to determine the role of this variant in disease. Therefore, it has been classified as a Variant of Uncertain Significance. An algorithm developed to predict the effect of missense changes on protein structure and function (PolyPhen-2) suggests that this variant is likely to be disruptive. ClinVar contains an entry for this variant (Variation ID: 858445). This missense change has been observed in individual(s) with clinical features of PRPF6-related conditions (Invitae). This variant is not present in population databases (gnomAD no frequency). This sequence change replaces glycine, which is neutral and non-polar, with arginine, which is basic and polar, at codon 86 of the PRPF6 protein (p.Gly86Arg).

NM_012469.4(PRPF6):c.256G>A (p.Gly86Arg)

Gene: PRPF6 (pre-mRNA processing factor 6; plus strand). Cytogenetic location: 20q13.33.
Variant type: single nucleotide variant.
Coding change: c.256G>A on transcript NM_012469.4 (MANE Select); coding-DNA position 256, G replaced by A.
Protein change: p.Gly86Arg; replaces glycine 86 with arginine.
Molecular consequence: missense variant.
Genome position (GRCh38, 1-based): chr20:63,984,922, G>A. VCF-style: chr20-63984922-G-A. GRCh37 (hg19) VCF-style: chr20-62616275-G-A.
Other names: short protein forms G86R.
Identifiers: ClinVar variation 858445 (VCV000858445.9), dbSNP rs2059086844, ClinGen allele CA409797991.
Genomic context (GRCh38, chr20:63,984,922, plus strand): 5'-TGTTGAAGGAAAAGCTGACCTCTACACGTGTTGTTTGCTTCTCAGTTTAATGGCTATGCT[G>A]GGAGCCTCTTCTCAAGTGGACCCTACGAGAAAGATGATGAGGAAGCAGATGCTATCTATG-3'
Protein context (NP_036601.2, residues 76-96): TNYDEFNGYA[Gly86Arg]SLFSSGPYEK